The following is an entry in ClinVar:

NM_206933.4(USH2A):c.8395G>T (p.Gly2799Cys)

Gene: USH2A (usherin; minus strand). Cytogenetic location: 1q41.
Variant type: single nucleotide variant.
Coding change: c.8395G>T on transcript NM_206933.4 (MANE Select); coding-DNA position 8395, G replaced by T.
Protein change: p.Gly2799Cys; replaces glycine 2799 with cysteine.
Molecular consequence: missense variant.
Genome position (GRCh38, 1-based): chr1:215,878,927, C>A on the plus strand (G>T on the coding strand, the complement: USH2A is on the minus strand). VCF-style: chr1-215878927-C-A. GRCh37 (hg19) VCF-style: chr1-216052269-C-A.
Other names: short protein forms G2799C.
Identifiers: ClinVar variation 1297132 (VCV001297132.3), dbSNP rs1026326311, ClinGen allele CA37433875.

ClinVar aggregate classification (germline): Conflicting classifications of pathogenicity. Review status: criteria provided, conflicting classifications (1 of 4 stars). 2 submissions from 2 submitters: Likely pathogenic (1); Uncertain significance (1). Last evaluated 2025-12-09.

Conditions:
Retinitis pigmentosa (RP). Identifiers: Orphanet 791, MedGen C0035334, MeSH D012174, MONDO:0019200, OMIM 268000. Inheritance: Autosomal dominant, autosomal recessive and X linked inheritance.

Allele frequency attached by ClinVar (database versions not stated): TOPMed 0.00001.
gnomAD v4.1: 8 of 1,613,928 alleles (0.0005%); highest among the groups gnomAD compares: South Asian, 0.0011%; no homozygotes.

Submissions (2):

Labcorp Genetics (formerly Invitae), Labcorp
Classification: Likely pathogenic. Last evaluated: 2025-12-09. Review status: criteria provided, single submitter. Criteria: Invitae Variant Classification Sherloc (09022015). Collection method: clinical testing. Allele origin: germline.
Comment: This sequence change replaces glycine, which is neutral and non-polar, with cysteine, which is neutral and slightly polar, at codon 2799 of the USH2A protein (p.Gly2799Cys). This variant is not present in population databases (gnomAD no frequency). This missense change has been observed in individual(s) with inherited retinal dystrophy (PMID: 34906470). ClinVar contains an entry for this variant (Variation ID: 1297132). Invitae Evidence Modeling of protein sequence and biophysical properties (such as structural, functional, and spatial information, amino acid conservation, physicochemical variation, residue mobility, and thermodynamic stability) indicates that this missense variant is expected to disrupt USH2A protein function with a positive predictive value of 95%. This variant disrupts the p.Gly2799 amino acid residue in USH2A. Other variant(s) that disrupt this residue have been determined to be pathogenic (PMID: 34781295, 36460718, 37009079). This suggests that this residue is clinically significant, and that variants that disrupt this residue are likely to be disease-causing. In summary, the currently available evidence indicates that the variant is pathogenic, but additional data are needed to prove that conclusively. Therefore, this variant has been classified as Likely Pathogenic.

Broad Center for Mendelian Genomics, Broad Institute of MIT and Harvard
Classification: Uncertain significance for Retinitis pigmentosa. Last evaluated: 2021-04-01. Review status: criteria provided, single submitter. Criteria: ACMG Guidelines, 2015. Collection method: curation. Allele origin: germline. Inheritance: Autosomal recessive inheritance. Affected: yes.
Comment: Through a review of available evidence we were able to apply the following criteria: PM2, PP3. Based on this evidence we have classified this variant as a Variant of Uncertain Significance. If you have any questions about the classification please reach out to the Pierce Lab.

Literature cited by the submitters: PubMed 34906470 (cited by Labcorp Genetics (formerly Invitae), Labcorp and Broad Center for Mendelian Genomics, Broad Institute of MIT and Harvard); PubMed 34781295 (cited by Labcorp Genetics (formerly Invitae), Labcorp); PubMed 36460718 (cited by Labcorp Genetics (formerly Invitae), Labcorp); PubMed 37009079 (cited by Labcorp Genetics (formerly Invitae), Labcorp).